The following is an entry in ClinVar:

ClinVar aggregate classification (germline): Uncertain significance (1 of 4 stars; one submission).

Conditions:
Leukocyte adhesion deficiency 1 (LAD1). Also called: LEUKOCYTE ADHESION DEFICIENCY, TYPE I; LAD 1; Lymphocyte function-associated antigen 1 immunodeficiency; LFA 1 immunodeficiency. Identifiers: Orphanet 2968, Orphanet 99842, MedGen C0398738, MONDO:0007293, OMIM 116920.

Allele frequency attached by ClinVar (database versions not stated): gnomAD exomes 0.00006 and 0.00010; TOPMed 0.00007; ESP Exome Variant Server 0.00008; ExAC 0.00010.
gnomAD v4.1: 94 of 1,614,070 alleles (0.0058%); highest among the groups gnomAD compares: Middle Eastern, 0.033%; 1 homozygote.

Submissions (2):

Labcorp Genetics (formerly Invitae), Labcorp
Classification: Uncertain significance for Leukocyte adhesion deficiency 1. Last evaluated: 2023-12-21. Review status: criteria provided, single submitter. Criteria: Invitae Variant Classification Sherloc (09022015). Collection method: clinical testing. Allele origin: germline.
Comment: This sequence change affects codon 109 of the ITGB2 mRNA. It is a 'silent' change, meaning that it does not change the encoded amino acid sequence of the ITGB2 protein. It affects a nucleotide within the consensus splice site. This variant is present in population databases (rs199932521, gnomAD 0.02%). This variant has not been reported in the literature in individuals affected with ITGB2-related conditions. ClinVar contains an entry for this variant (Variation ID: 847665). Algorithms developed to predict the effect of sequence changes on RNA splicing suggest that this variant is not likely to affect RNA splicing. In summary, the available evidence is currently insufficient to determine the role of this variant in disease. Therefore, it has been classified as a Variant of Uncertain Significance.

Dr. Peter K. Rogan Lab, Western University
No classification provided (evidence only). Condition: Cervical cancer. Review status: no classification provided. Collection method: in vitro. Allele origin: not applicable. Functional consequence: retained intron. Not counted in ClinVar's aggregate classification.

NM_000211.5(ITGB2):c.327A>G (p.Pro109=)

Gene: ITGB2 (integrin subunit beta 2; minus strand). Cytogenetic location: 21q22.3.
Variant type: single nucleotide variant.
Coding change: c.327A>G on transcript NM_000211.5 (MANE Select); coding-DNA position 327, A replaced by G.
Protein change: p.Pro109=; no amino-acid change (proline 109 retained).
Molecular consequence: synonymous variant.
Genome position (GRCh38, 1-based): chr21:44,906,916, T>C on the plus strand (A>G on the coding strand, the complement: ITGB2 is on the minus strand). VCF-style: chr21-44906916-T-C. GRCh37 (hg19) VCF-style: chr21-46326831-T-C.
Other names: c.327A>G, p.Pro109= (NM_001127491.3); c.120A>G, p.Pro40= (NM_001303238.2).
Identifiers: ClinVar variation 847665 (VCV000847665.8), dbSNP rs199932521, ClinGen allele CA10063262.